The following is an entry in ClinVar:

NM_014244.5(ADAMTS2):c.693del (p.Ser232fs)

Gene: ADAMTS2 (ADAM metallopeptidase with thrombospondin type 1 motif 2; minus strand). Cytogenetic location: 5q35.3.
Variant type: Deletion.
Coding change: c.693del on transcript NM_014244.5 (MANE Select); coding-DNA position 693, one base deleted (C; older notation c.693delC).
Protein change: p.Ser232fs; shifts the reading frame from serine 232.
Molecular consequence: frameshift variant.
Genome position (GRCh38, 1-based): chr5:179,207,711, G deleted on the plus strand (C on the coding strand, the reverse complement: ADAMTS2 is on the minus strand); the first of 2 consecutive G bases (chr5:179,207,711-179,207,712); deleting either gives the same sequence. VCF-style (leftmost placement, unchanged base first): chr5-179207710-AG-A. GRCh37 (hg19) VCF-style: chr5-178634711-AG-A.
Other names: c.693del, p.Ser232fs (NM_021599.4); short protein forms S232fs.
Identifiers: ClinVar variation 1724168 (VCV001724168.2), dbSNP rs2480416655, ClinGen allele CA2580074110.

ClinVar aggregate classification (germline): Likely pathogenic (1 of 4 stars; one submission).

Conditions:
Ehlers-Danlos syndrome, dermatosparaxis type. Also called: EDS VIIC; Dermatosparaxis; Ehlers-Danlos syndrome, type VII, autosomal recessive. Identifiers: Orphanet 1901, MedGen C2700425, MONDO:0009161, OMIM 225410.

Submission:

Myriad Genetics, Inc.
Classification: Likely pathogenic for Ehlers-Danlos syndrome, dermatosparaxis type. Last evaluated: 2022-01-28. Review status: criteria provided, single submitter. Criteria: Myriad Women's Health Autosomal Recessive and X-Linked Classification Criteria (2021). Collection method: clinical testing. Allele origin: unknown.
Comment: NM_014244.4(ADAMTS2):c.693delC(S232Pfs*15) is expected to be pathogenic in the context of Ehlers-Danlos syndrome type VIIC. This variant is predicted to lead to an abnormal or absent protein product due to the creation of a premature termination codon in ADAMTS2, a gene where loss-of-function variants are known to be pathogenic. Please note: this variant was assessed in the context of healthy population screening.